The following is an entry in ClinVar:

NM_000494.4(COL17A1):c.316C>T (p.Arg106Cys)

Gene: COL17A1 (collagen type XVII alpha 1 chain; minus strand). Cytogenetic location: 10q25.1.
Variant type: single nucleotide variant.
Coding change: c.316C>T on transcript NM_000494.4 (MANE Select); coding-DNA position 316, C replaced by T.
Protein change: p.Arg106Cys; replaces arginine 106 with cysteine.
Molecular consequence: missense variant.
Genome position (GRCh38, 1-based): chr10:104,076,316, G>A on the plus strand (C>T on the coding strand, the complement: COL17A1 is on the minus strand). VCF-style: chr10-104076316-G-A. GRCh37 (hg19) VCF-style: chr10-105836074-G-A.
Other names: c.316C>T, p.Arg106Cys (LRG_1249t1); short protein forms R106C.
Identifiers: ClinVar variation 298754 (VCV000298754.8), dbSNP rs146267259, ClinGen allele CA5679496.
Genomic context (GRCh38, chr10:104,076,316, plus strand): 5'-TTGGGGAAGAGAATGGTTCTCTTGTATGGTTAGTGGGACTGATACCTTCATACGCATGGC[G>A]GGTAACGTGAGTTTTCCTTTCAAAGGTTGAGCCTGGGGAGTTGGGCAGAGTGGAGGCAGG-3'
Protein context (NP_000485.3, residues 96-116): STFERKTHVT[Arg106Cys]HAYEGSSSGN

ClinVar aggregate classification (germline): Uncertain significance. Review status: criteria provided, multiple submitters, no conflicts (2 of 4 stars). 4 submissions from 4 submitters: Uncertain significance (3). 1 of the submissions does not count toward it. Last evaluated 2022-10-10.

Conditions:
Junctional epidermolysis bullosa, non-Herlitz type. Also called: EPIDERMOLYSIS BULLOSA JUNCTIONALIS, DISENTIS TYPE; EPIDERMOLYSIS BULLOSA JUNCTIONALIS, NON-HERLITZ TYPE; EPIDERMOLYSIS BULLOSA JUNCTIONALIS, PROGRESSIVE; EPIDERMOLYSIS BULLOSA JUNCTIONALIS, SEVERE NONLETHAL; Adult junctional epidermolysis bullosa; Epidermolysis bullosa, junctional, non-herlitz type, somatic mosaic revertant. Identifiers: Orphanet 251393, Orphanet 79402, Orphanet 79405, Orphanet 89840, MedGen C0268374, MONDO:0009180, OMIM 226650.

Allele frequency attached by ClinVar (database versions not stated): 1000 Genomes Project 30x 0.00031; gnomAD 0.00036 and 0.00045; ESP Exome Variant Server 0.00038; 1000 Genomes Project 0.00040; ExAC 0.00040; gnomAD exomes 0.00049 and 0.00082; TOPMed 0.00055.

Submissions (4):

GeneDx
Classification: Uncertain significance. Last evaluated: 2022-10-10. Review status: criteria provided, single submitter. Criteria: GeneDx Variant Classification Process June 2021. Collection method: clinical testing. Allele origin: germline. Affected: yes.
Comment: In silico analysis supports that this missense variant has a deleterious effect on protein structure/function; Has not been previously published as pathogenic or benign in association with a COL17A1-related disorder to our knowledge; This variant is associated with the following publications: (PMID: 27377421)

Labcorp Genetics (formerly Invitae), Labcorp
Classification: Uncertain significance. Last evaluated: 2022-07-25. Review status: criteria provided, single submitter. Criteria: Invitae Variant Classification Sherloc (09022015). Collection method: clinical testing. Allele origin: germline.
Comment: This sequence change replaces arginine, which is basic and polar, with cysteine, which is neutral and slightly polar, at codon 106 of the COL17A1 protein (p.Arg106Cys). This variant is present in population databases (rs146267259, gnomAD 0.06%). This variant has not been reported in the literature in individuals affected with COL17A1-related conditions. ClinVar contains an entry for this variant (Variation ID: 298754). Algorithms developed to predict the effect of missense changes on protein structure and function are either unavailable or do not agree on the potential impact of this missense change (SIFT: "Deleterious"; PolyPhen-2: "Not Available"; Align-GVGD: "Class C0"). In summary, the available evidence is currently insufficient to determine the role of this variant in disease. Therefore, it has been classified as a Variant of Uncertain Significance.

Illumina Laboratory Services, Illumina
Classification: Uncertain significance for Junctional epidermolysis bullosa, non-Herlitz type. Last evaluated: 2018-01-12. Review status: criteria provided, single submitter. Criteria: ICSL Variant Classification Criteria 13 December 2019. Collection method: clinical testing. Allele origin: germline.

Department of Pathology and Laboratory Medicine, Sinai Health System
Classification: Uncertain significance. Review status: no assertion criteria provided. Collection method: clinical testing. Allele origin: unknown. Affected: yes. Study: The Canadian Open Genetics Repository (COGR). Not counted in ClinVar's aggregate classification.
Comment: The COL17A1 p.Arg106Cys variant was not identified in the literature nor was it identified in the Cosmic database. The variant was identified in dbSNP (ID: rs146267259), LOVD 3.0 and ClinVar (classified as a VUS for Epidermolysis bullosa, junctional by Illumina Clinical Services Laboratory). The variant was identified in control databases in 132 of 282806 chromosomes at a frequency of 0.000467 increasing the likelihood this could be a low frequency benign variant (Genome Aggregation Database Feb 27, 2017). The variant was observed in the following populations: South Asian in 20 of 30616 chromosomes (freq: 0.000653), European (non-Finnish) in 83 of 129138 chromosomes (freq: 0.000643), Other in 4 of 7222 chromosomes (freq: 0.000554), East Asian in 8 of 19950 chromosomes (freq: 0.000401), Latino in 12 of 35440 chromosomes (freq: 0.000339), African in 4 of 24958 chromosomes (freq: 0.00016) and European (Finnish) in 1 of 25118 chromosomes (freq: 0.00004); it was not observed in the Ashkenazi Jewish population. The variant occurs outside of the splicing consensus sequence and four out of four in silico or computational prediction software programs (SpliceSiteFinder, MaxEntScan, NNSPLICE, and GeneSplicer) do not predict a greater than 10% difference in splicing. The p.Arg106 residue is conserved in mammals but not in more distantly related organisms, and four out of five computational analyses (PolyPhen-2, SIFT, BLOSUM, and MutationTaster) suggest that the variant may impact the protein; however, this information is not predictive enough to assume pathogenicity. In summary, based on the above information the clinical significance of this variant cannot be determined with certainty at this time. This variant is classified as a variant of uncertain significance.